The following is an entry in ClinVar:

ClinVar aggregate classification (germline): Pathogenic. Review status: criteria provided, multiple submitters, no conflicts (2 of 4 stars). 2 submissions from 2 submitters: Pathogenic (2). Last evaluated 2024-01-23.

Conditions:
Ataxia-telangiectasia syndrome (AT). Also called: Ataxia telangiectasia (A-T); Cerebello-oculocutaneous telangiectasia; Immunodeficiency with ataxia telangiectasia; Ataxia-telangiectasia, complementation group D; Ataxia-telangiectasia, complementation group E; LOUIS-BAR SYNDROME. Identifiers: Orphanet 100, MedGen C0004135, MONDO:0008840, OMIM 208900.
Familial cancer of breast. Also called: BREAST CANCER, FAMILIAL; hereditary breast carcinoma; Hereditary breast cancer. Identifiers: Orphanet 227535, MedGen C0346153, MONDO:0016419, OMIM 114480. Disease mechanism: loss of function.

Allele frequency attached by ClinVar (database versions not stated): gnomAD exomes below 0.00001.

Submissions (2):

Myriad Genetics, Inc.
Classification: Pathogenic for Familial cancer of breast. Last evaluated: 2024-01-23. Review status: criteria provided, single submitter. Criteria: Myriad Autosomal Dominant, Autosomal Recessive and X-Linked Classification Criteria (2023). Collection method: clinical testing. Allele origin: unknown.
Comment: This variant is considered pathogenic. This variant creates a frameshift predicted to result in premature protein truncation.

Labcorp Genetics (formerly Invitae), Labcorp
Classification: Pathogenic for Ataxia-telangiectasia syndrome. Last evaluated: 2022-05-20. Review status: criteria provided, single submitter. Criteria: Invitae Variant Classification Sherloc (09022015). Collection method: clinical testing. Allele origin: germline.
Comment: For these reasons, this variant has been classified as Pathogenic. This variant has not been reported in the literature in individuals affected with ATM-related conditions. This variant is not present in population databases (gnomAD no frequency). This sequence change creates a premature translational stop signal (p.Leu1335Ilefs*3) in the ATM gene. It is expected to result in an absent or disrupted protein product. Loss-of-function variants in ATM are known to be pathogenic (PMID: 23807571, 25614872).

Literature cited by the submitters: PubMed 23807571 (cited by Labcorp Genetics (formerly Invitae), Labcorp); PubMed 25614872 (cited by Labcorp Genetics (formerly Invitae), Labcorp).

NM_000051.4(ATM):c.4003_4004del (p.Leu1335fs)

Gene: ATM (ATM serine/threonine kinase; plus strand). Cytogenetic location: 11q22.3.
Variant type: Deletion.
Coding change: c.4003_4004del on transcript NM_000051.4 (MANE Select); coding-DNA positions 4003 to 4004, 2 bases deleted (TT; older notation c.4003_4004delTT).
Protein change: p.Leu1335fs; shifts the reading frame from leucine 1335.
Molecular consequence: frameshift variant.
Genome position (GRCh38, 1-based): chr11:108,287,609-108,287,610, TT deleted. VCF-style (leftmost placement, unchanged base first): chr11-108287608-CTT-C. GRCh37 (hg19) VCF-style: chr11-108158335-CTT-C.
Other names: c.4003_4004del, p.Leu1335fs (NM_001351834.2); short protein forms L1335fs.
Identifiers: ClinVar variation 1993446 (VCV001993446.5), dbSNP rs2546897744, ClinGen allele CA2580083186.